The following is an entry in ClinVar:

NM_007254.4(PNKP):c.381A>G (p.Gln127=)

Gene: PNKP (polynucleotide kinase 3'-phosphatase; minus strand). Cytogenetic location: 19q13.33.
Variant type: single nucleotide variant.
Coding change: c.381A>G on transcript NM_007254.4 (MANE Select); coding-DNA position 381, A replaced by G.
Protein change: p.Gln127=; no amino-acid change (glutamine 127 retained).
Molecular consequence: synonymous variant.
Genome position (GRCh38, 1-based): chr19:49,865,244, T>C on the plus strand (A>G on the coding strand, the complement: PNKP is on the minus strand). VCF-style: chr19-49865244-T-C. GRCh37 (hg19) VCF-style: chr19-50368501-T-C.
Identifiers: ClinVar variation 511734 (VCV000511734.13), dbSNP rs139679798, ClinGen allele CA9586961.

ClinVar aggregate classification (germline): Conflicting classifications of pathogenicity. Review status: criteria provided, conflicting classifications (1 of 4 stars). 2 submissions from 2 submitters: Uncertain significance (1); Likely benign (1). Last evaluated 2025-04-21.

Conditions:
Developmental and epileptic encephalopathy, 12 (DEE12). Identifiers: MedGen C3150988, MONDO:0013389, OMIM 613722.

Allele frequency attached by ClinVar (database versions not stated): gnomAD below 0.00001 and 0.00007; TOPMed 0.00001; ESP Exome Variant Server 0.00008; gnomAD exomes 0.00014 and 0.00033; 1000 Genomes Project 30x 0.00031; ExAC 0.00032; 1000 Genomes Project 0.00040.
gnomAD v4.1: 210 of 1,614,202 alleles (0.013%); highest among the groups gnomAD compares: South Asian, 0.22%; 3 homozygotes.

Submissions (2):

GeneDx
Classification: Uncertain significance. Last evaluated: 2025-04-21. Review status: criteria provided, single submitter. Criteria: GeneDx Variant Classification Process June 2021. Collection method: clinical testing. Allele origin: germline. Affected: yes.
Comment: Has not been previously published as pathogenic or benign to our knowledge; In silico analysis suggests this variant may impact gene splicing. In the absence of RNA/functional studies, the actual effect of this sequence change is unknown.

Labcorp Genetics (formerly Invitae), Labcorp
Classification: Likely benign for Developmental and epileptic encephalopathy, 12. Last evaluated: 2024-08-15. Review status: criteria provided, single submitter. Criteria: Invitae Variant Classification Sherloc (09022015). Collection method: clinical testing. Allele origin: germline.